The following is an entry in ClinVar:

NM_001083962.2(TCF4):c.369+1365del

Gene: TCF4 (transcription factor 4; minus strand). Cytogenetic location: 18q21.2.
Variant type: Deletion.
Coding change: c.369+1365del on transcript NM_001083962.2 (MANE Select); 1365 bases into the intron after coding-DNA position 369, one base deleted (C; older notation c.369+1365delC).
Molecular consequence: intron variant.
Genome position (GRCh38, 1-based): chr18:55,402,089, G deleted on the plus strand (C on the coding strand, the reverse complement: TCF4 is on the minus strand). VCF-style (leftmost placement, unchanged base first): chr18-55402088-TG-T. GRCh37 (hg19) VCF-style: chr18-53069319-TG-T.
Other names: c.675+1365del (NM_001243226.3); c.297+1365del (NM_001369584.1, NM_001369576.1, NM_001369577.1 and 15 more transcripts); c.369+1365del (NM_001369571.1, NM_001369567.1, NM_001243228.2 and 8 more transcripts); c.363+1365del (NM_001243230.2); c.243+1365del (NM_001243231.2, NM_001348211.2); c.-19+1365del (NM_001348212.2); c.-22+1365del (NM_001348213.2, NM_001243233.2); c.159+1365del (NM_001306208.1, NM_001243232.1).
Identifiers: ClinVar variation 2648736 (VCV002648736.25), dbSNP rs558756005, ClinGen allele CA301146146.

ClinVar aggregate classification (germline): Benign/Likely benign. Review status: criteria provided, multiple submitters, no conflicts (2 of 4 stars). 2 submissions from 2 submitters: Benign (1); Likely benign (1). Last evaluated 2022-04-01.

Allele frequency attached by ClinVar (database versions not stated): gnomAD exomes 0.00271; gnomAD 0.00288; TOPMed 0.00332; 1000 Genomes Project 30x 0.00390; 1000 Genomes Project 0.00419.

Submissions (2):

CeGaT Center for Human Genetics Tuebingen
Classification: Benign. Last evaluated: 2022-04-01. Review status: criteria provided, single submitter. Criteria: CeGaT Center For Human Genetics Tuebingen Variant Classification Criteria Version 2. Collection method: clinical testing. Allele origin: germline. Affected: yes. Observed: 4 variant alleles.
Comment: TCF4: BS1, BS2

Blueprint Genetics
Classification: Likely benign. Last evaluated: 2018-05-06. Review status: criteria provided, single submitter. Criteria: ACMG Guidelines, 2015. Collection method: clinical testing. Allele origin: germline.